The following is an entry in ClinVar:

NM_001365999.1(SZT2):c.8023G>A (p.Gly2675Ser)

Gene: SZT2 (SZT2 subunit of KICSTOR complex; plus strand). Cytogenetic location: 1p34.2.
Variant type: single nucleotide variant.
Coding change: c.8023G>A on transcript NM_001365999.1 (MANE Select); coding-DNA position 8023, G replaced by A.
Protein change: p.Gly2675Ser; replaces glycine 2675 with serine.
Molecular consequence: missense variant.
Genome position (GRCh38, 1-based): chr1:43,442,490, G>A. VCF-style: chr1-43442490-G-A. GRCh37 (hg19) VCF-style: chr1-43908161-G-A.
Other names: c.7852G>A, p.Gly2618Ser (NM_015284.4); c.7852G>A (NM_015284.3); short protein forms G2618S, G2675S.
Identifiers: ClinVar variation 1044410 (VCV001044410.5), dbSNP rs991547038, ClinGen allele CA21648089.

ClinVar aggregate classification (germline): Uncertain significance. Review status: criteria provided, multiple submitters, no conflicts (2 of 4 stars). 2 submissions from 2 submitters: Uncertain significance (2). Last evaluated 2025-01-30.

Conditions:
Inborn genetic diseases. Identifiers: MedGen C0950123, MeSH D030342.

Allele frequency attached by ClinVar (database versions not stated): gnomAD 0.00001; gnomAD exomes 0.00001 and 0.00003; TOPMed 0.00001.
gnomAD v4.1: 47 of 1,614,018 alleles (0.0029%); highest among the groups gnomAD compares: Non-Finnish European, 0.0039%; no homozygotes.

Submissions (2):

Ambry Genetics
Classification: Uncertain significance for Inborn genetic diseases. Last evaluated: 2025-01-30. Review status: criteria provided, single submitter. Criteria: Ambry Variant Classification Scheme 2023. Collection method: clinical testing. Allele origin: germline.

Labcorp Genetics (formerly Invitae), Labcorp
Classification: Uncertain significance. Last evaluated: 2022-03-19. Review status: criteria provided, single submitter. Criteria: Invitae Variant Classification Sherloc (09022015). Collection method: clinical testing. Allele origin: germline.
Comment: This sequence change replaces glycine, which is neutral and non-polar, with serine, which is neutral and polar, at codon 2618 of the SZT2 protein (p.Gly2618Ser). The frequency data for this variant in the population databases is considered unreliable, as metrics indicate poor data quality at this position in the gnomAD database. This variant has not been reported in the literature in individuals affected with SZT2-related conditions. ClinVar contains an entry for this variant (Variation ID: 1044410). Algorithms developed to predict the effect of missense changes on protein structure and function output the following: SIFT: "Tolerated"; PolyPhen-2: "Benign"; Align-GVGD: "Class C0". The serine amino acid residue is found in multiple mammalian species, which suggests that this missense change does not adversely affect protein function. In summary, the available evidence is currently insufficient to determine the role of this variant in disease. Therefore, it has been classified as a Variant of Uncertain Significance.